The following is an entry in ClinVar:

ClinVar aggregate classification (germline): Uncertain significance (1 of 4 stars; one submission).

Conditions:
Neuropathy, hereditary sensory, type 2C. Also called: KIF1A-Related HSAN2 (HSAN2C); Hereditary sensory and autonomic neuropathy type IIC. Identifiers: Orphanet 970, MedGen C3280168, MONDO:0013634, OMIM 614213.
Hereditary spastic paraplegia 30. Identifiers: Orphanet 101010, MedGen C5235139, MONDO:0012476.
Intellectual disability, autosomal dominant 9 (NESCAVS). Also called: KIF1A-Related Neurodevelopmental Disorder; NESCAV SYNDROME. Identifiers: Orphanet 662367, MedGen C5393830, MONDO:0013656, OMIM 614255.

Submission:

Labcorp Genetics (formerly Invitae), Labcorp
Classification: Uncertain significance for Hereditary spastic paraplegia 30; Neuropathy, hereditary sensory, type 2C; Intellectual disability, autosomal dominant 9. Last evaluated: 2024-03-18. Review status: criteria provided, single submitter. Criteria: Invitae Variant Classification Sherloc (09022015). Collection method: clinical testing. Allele origin: germline.
Comment: This sequence change replaces aspartic acid, which is acidic and polar, with valine, which is neutral and non-polar, at codon 1209 of the KIF1A protein (p.Asp1209Val). This variant is not present in population databases (gnomAD no frequency). This variant has not been reported in the literature in individuals affected with KIF1A-related conditions. Advanced modeling of protein sequence and biophysical properties (such as structural, functional, and spatial information, amino acid conservation, physicochemical variation, residue mobility, and thermodynamic stability) performed at Invitae indicates that this missense variant is not expected to disrupt KIF1A protein function with a negative predictive value of 95%. In summary, the available evidence is currently insufficient to determine the role of this variant in disease. Therefore, it has been classified as a Variant of Uncertain Significance.

NM_001244008.2(KIF1A):c.3929A>T (p.Asp1310Val)

Gene: KIF1A (kinesin family member 1A; minus strand). Cytogenetic location: 2q37.3.
Variant type: single nucleotide variant.
Coding change: c.3929A>T on transcript NM_001244008.2 (MANE Select); coding-DNA position 3929, A replaced by T.
Protein change: p.Asp1310Val; replaces aspartic acid 1310 with valine.
Molecular consequence: missense variant.
Genome position (GRCh38, 1-based): chr2:240,737,141, T>A on the plus strand (A>T on the coding strand, the complement: KIF1A is on the minus strand). VCF-style: chr2-240737141-T-A. GRCh37 (hg19) VCF-style: chr2-241676558-T-A.
Other names: c.3653A>T, p.Asp1218Val (NM_001320705.2, NM_001330289.2, NM_001379638.1); c.3728A>T, p.Asp1243Val (NM_001330290.2, NM_001379634.1, NM_001379635.1 and 1 more transcripts); c.4004A>T, p.Asp1335Val (NM_001379631.1); c.3878A>T, p.Asp1293Val (NM_001379632.1); c.3902A>T, p.Asp1301Val (NM_001379633.1, NM_001379642.1, NM_001379645.1); c.3740A>T, p.Asp1247Val (NM_001379636.1); c.3701A>T, p.Asp1234Val (NM_001379637.1, NM_001379648.1); c.3626A>T, p.Asp1209Val (NM_001379639.1, NM_001379641.1, NM_001379649.1 and 4 more transcripts); and 1 more; short protein forms D1208V, D1209V, D1218V, D1234V, D1243V, D1247V, D1293V, D1301V.
Identifiers: ClinVar variation 3753003 (VCV003753003.2).
Genomic context (GRCh38, chr2:240,737,141, plus strand): 5'-TGGATGTATCCGGAAGAGAGGATGTTGAGAGACAAGATGTTGGGGTCGATCAGGGACTCG[T>A]CGGTCTCTGGAGTGTTTCGGATGCGGCCTGCAGAAAAGGCAACGGGCCACAGGTCACTTC-3'
Protein context (NP_001230937.1, residues 1300-1320): VGRIRNTPET[Asp1310Val]ESLIDPNILS